The following is an entry in ClinVar:

NM_017654.4(SAMD9):c.4259A>G (p.Gln1420Arg)

Gene: SAMD9 (sterile alpha motif domain containing 9; minus strand). Cytogenetic location: 7q21.2.
Variant type: single nucleotide variant.
Coding change: c.4259A>G on transcript NM_017654.4 (MANE Select); coding-DNA position 4259, A replaced by G.
Protein change: p.Gln1420Arg; replaces glutamine 1420 with arginine.
Molecular consequence: missense variant.
Genome position (GRCh38, 1-based): chr7:93,101,839, T>C on the plus strand (A>G on the coding strand, the complement: SAMD9 is on the minus strand). VCF-style: chr7-93101839-T-C. GRCh37 (hg19) VCF-style: chr7-92731152-T-C.
Other names: c.4259A>G, p.Gln1420Arg (NM_001193307.2); short protein forms Q1420R.
Identifiers: ClinVar variation 4629895 (VCV004629895.1).

ClinVar aggregate classification (germline): Uncertain significance (1 of 4 stars; one submission).

Conditions:
Inborn genetic diseases. Identifiers: MedGen C0950123, MeSH D030342.

Submission:

Ambry Genetics
Classification: Uncertain significance for Inborn genetic diseases. Last evaluated: 2025-10-25. Review status: criteria provided, single submitter. Criteria: Ambry Variant Classification Scheme 2023. Collection method: clinical testing. Allele origin: germline.
Comment: The p.Q1420R variant (also known as c.4259A>G), located in coding exon 1 of the SAMD9 gene, results from an A to G substitution at nucleotide position 4259. The glutamine at codon 1420 is replaced by arginine, an amino acid with highly similar properties. This amino acid position is conserved. In addition, this alteration is predicted to be tolerated by in silico analysis. Based on the available evidence, the clinical significance of this variant remains unclear.